The following is an entry in ClinVar:

ClinVar aggregate classification (germline): Uncertain significance. Review status: criteria provided, multiple submitters, no conflicts (2 of 4 stars). 2 submissions from 2 submitters: Uncertain significance (2). Last evaluated 2025-11-13.

Conditions:
Cardiovascular phenotype. Identifiers: MedGen CN230736.
Cholestanol storage disease (CTX). Also called: CEREBRAL CHOLESTERINOSIS; Cerebrotendinous Xanthomatosis; CTX: Cerebrotendinous xanthomatosis. Identifiers: Orphanet 909, MedGen C0238052, MONDO:0008948, OMIM 213700.

gnomAD v4.1: 4 of 1,613,846 alleles (0.00025%); highest among the groups gnomAD compares: African/African-American, 0.0027%; no homozygotes.

Submissions (2):

Ambry Genetics
Classification: Uncertain significance for Cardiovascular phenotype. Last evaluated: 2025-11-13. Review status: criteria provided, single submitter. Criteria: Ambry Variant Classification Scheme 2023. Collection method: clinical testing. Allele origin: germline.

Labcorp Genetics (formerly Invitae), Labcorp
Classification: Uncertain significance for Cholestanol storage disease. Last evaluated: 2022-07-30. Review status: criteria provided, single submitter. Criteria: Invitae Variant Classification Sherloc (09022015). Collection method: clinical testing. Allele origin: germline.
Comment: This sequence change replaces aspartic acid, which is acidic and polar, with asparagine, which is neutral and polar, at codon 141 of the CYP27A1 protein (p.Asp141Asn). This variant is present in population databases (no rsID available, gnomAD 0.003%). This variant has not been reported in the literature in individuals affected with CYP27A1-related conditions. Advanced modeling of protein sequence and biophysical properties (such as structural, functional, and spatial information, amino acid conservation, physicochemical variation, residue mobility, and thermodynamic stability) performed at Invitae indicates that this missense variant is not expected to disrupt CYP27A1 protein function. In summary, the available evidence is currently insufficient to determine the role of this variant in disease. Therefore, it has been classified as a Variant of Uncertain Significance.

NM_000784.4(CYP27A1):c.421G>A (p.Asp141Asn)

Gene: CYP27A1 (cytochrome P450 family 27 subfamily A member 1; plus strand). Cytogenetic location: 2q35.
Variant type: single nucleotide variant.
Coding change: c.421G>A on transcript NM_000784.4 (MANE Select); coding-DNA position 421, G replaced by A.
Protein change: p.Asp141Asn; replaces aspartic acid 141 with asparagine.
Molecular consequence: missense variant.
Genome position (GRCh38, 1-based): chr2:218,809,742, G>A. VCF-style: chr2-218809742-G-A. GRCh37 (hg19) VCF-style: chr2-219674465-G-A.
Other names: short protein forms D141N.
Identifiers: ClinVar variation 1738820 (VCV001738820.6), dbSNP rs746358147, ClinGen allele CA350584025.